The following is an entry in ClinVar:

NM_001854.4(COL11A1):c.581A>T (p.Glu194Val)

Gene: COL11A1 (collagen type XI alpha 1 chain; minus strand). Cytogenetic location: 1p21.1.
Variant type: single nucleotide variant.
Coding change: c.581A>T on transcript NM_001854.4 (MANE Select); coding-DNA position 581, A replaced by T.
Protein change: p.Glu194Val; replaces glutamic acid 194 with valine.
Molecular consequence: missense variant. On other transcripts: non-coding transcript variant (1).
Genome position (GRCh38, 1-based): chr1:103,074,688, T>A on the plus strand (A>T on the coding strand, the complement: COL11A1 is on the minus strand). VCF-style: chr1-103074688-T-A. GRCh37 (hg19) VCF-style: chr1-103540244-T-A.
Other names: c.581A>T, p.Glu194Val (NM_001190709.2, NM_080629.3, NM_080630.4); short protein forms E194V.
Identifiers: ClinVar variation 1403463 (VCV001403463.8), dbSNP rs1671835289, ClinGen allele CA341166329.
Genomic context (GRCh38, chr1:103,074,688, plus strand): 5'-TCTTCATCCAAAATCCTTGTTCCAAAAACCGTGATTCCATTGGTATCAACAATTGCTCTC[T>A]CACTTCTATCAAGTGGTTTCGTGGTTTTCTTCTTACAATCAACAATCATTGTCACAGTTT-3'
Protein context (NP_001845.3, residues 184-204): KKTTKPLDRS[Glu194Val]RAIVDTNGIT

ClinVar aggregate classification (germline): Uncertain significance (1 of 4 stars; one submission).

Allele frequency attached by ClinVar (database versions not stated): TOPMed below 0.00001; gnomAD exomes 0.00001.
gnomAD v4.1: 11 of 1,613,426 alleles (0.00068%); highest among the groups gnomAD compares: Non-Finnish European, 0.00093%; no homozygotes.

Submission:

Labcorp Genetics (formerly Invitae), Labcorp
Classification: Uncertain significance. Last evaluated: 2024-12-31. Review status: criteria provided, single submitter. Criteria: Invitae Variant Classification Sherloc (09022015). Collection method: clinical testing. Allele origin: germline.
Comment: This sequence change replaces glutamic acid, which is acidic and polar, with valine, which is neutral and non-polar, at codon 194 of the COL11A1 protein (p.Glu194Val). This variant is not present in population databases (gnomAD no frequency). This variant has not been reported in the literature in individuals affected with COL11A1-related conditions. ClinVar contains an entry for this variant (Variation ID: 1403463). Invitae Evidence Modeling of protein sequence and biophysical properties (such as structural, functional, and spatial information, amino acid conservation, physicochemical variation, residue mobility, and thermodynamic stability) indicates that this missense variant is not expected to disrupt COL11A1 protein function with a negative predictive value of 95%. In summary, the available evidence is currently insufficient to determine the role of this variant in disease. Therefore, it has been classified as a Variant of Uncertain Significance.